The following is an entry in ClinVar:

NM_001267550.2(TTN):c.49011_49012del (p.Cys16337fs)

Genes: TTN (titin; minus strand), TTN-AS1 (TTN antisense RNA 1; plus strand), LOC126806426 (BRD4-independent group 4 enhancer GRCh37_chr2:179478848-179480047; plus strand). Cytogenetic location: 2q31.2.
Variant type: Microsatellite.
Coding change: c.49011_49012del on transcript NM_001267550.2 (MANE Select); coding-DNA positions 49011 to 49012, 2 bases deleted (TG; older notation c.49011_49012delTG).
Protein change: p.Cys16337fs; shifts the reading frame from cysteine 16337.
Molecular consequence: frameshift variant. On other transcripts: non-coding transcript variant (1).
Genome position (GRCh38, 1-based): chr2:178,614,502-178,614,503, CA deleted on the plus strand (TG on the coding strand, the reverse complement: TTN is on the minus strand); deleting any 2 consecutive bases within chr2:178,614,502-178,614,509 gives the same sequence; the c. name uses the placement nearest the transcript's 3' end. VCF-style (leftmost placement, unchanged base first): chr2-178614501-CCA-C. GRCh37 (hg19) VCF-style: chr2-179479228-CCA-C.
Other names: c.44088_44089del, p.Cys14696fs (NM_001256850.1); c.21816_21817del, p.Cys7272fs (NM_003319.4); c.41307_41308del, p.Cys13769fs (NM_133378.4); c.22191_22192del, p.Cys7397fs (NM_133432.3); c.22392_22393del, p.Cys7464fs (NM_133437.4); short protein forms C13769fs, C7397fs, C16337fs, C7272fs, C14696fs, C7464fs.
Identifiers: ClinVar variation 2925818 (VCV002925818.3), dbSNP rs756506700, ClinGen allele CA1994706.
Genomic context (GRCh38, chr2:178,614,501, plus strand): 5'-CTTTTAAAATGAGAACCTTCCTTACCTAAGACGTTCACTTCCACCACAGCAGTGGCCCGG[CCA>C]CACACATTCACAGCCTCAATGATATATGTGCCAGTGTCACTTCTCTTACTATCAACAATA-3'

ClinVar aggregate classification (germline): Likely pathogenic (1 of 4 stars; one submission).

Conditions:
Dilated cardiomyopathy 1G (CMD1G). Identifiers: Orphanet 154, MedGen C1858763, MONDO:0011400, OMIM 604145.
Autosomal recessive limb-girdle muscular dystrophy type 2J (LGMDR10). Also called: Limb-girdle muscular dystrophy, type 2J; MUSCULAR DYSTROPHY, LIMB-GIRDLE, AUTOSOMAL RECESSIVE 10. Identifiers: Orphanet 140922, MedGen C1837342, MONDO:0012127, OMIM 608807.

Submission:

Labcorp Genetics (formerly Invitae), Labcorp
Classification: Likely pathogenic for Dilated cardiomyopathy 1G; Autosomal recessive limb-girdle muscular dystrophy type 2J. Last evaluated: 2023-03-27. Review status: criteria provided, single submitter. Criteria: Invitae Variant Classification Sherloc (09022015). Collection method: clinical testing. Allele origin: germline.
Comment: This variant has not been reported in the literature in individuals affected with TTN-related conditions. This variant is present in population databases (rs756506700, gnomAD 0.003%). This sequence change creates a premature translational stop signal (p.Cys16337Trpfs*14) in the TTN gene. While this is not anticipated to result in nonsense mediated decay, it is expected to create a truncated TTN protein. This variant is located in the A band of TTN (PMID: 25589632). Truncating variants in this region are significantly overrepresented in patients affected with dilated cardiomyopathy (PMID: 25589632). Truncating variants in this region have also been reported in individuals affected with autosomal recessive centronuclear myopathy (PMID: 23975875). In summary, the currently available evidence indicates that the variant is pathogenic, but additional data are needed to prove that conclusively. Therefore, this variant has been classified as Likely Pathogenic.

Literature cited by the submitters: PubMed 25589632; PubMed 23975875.